The following is an entry in ClinVar:

ClinVar aggregate classification (germline): Likely benign. Review status: criteria provided, multiple submitters, no conflicts (2 of 4 stars). 3 submissions from 3 submitters: Likely benign (2). 1 of the submissions does not count toward it. Last evaluated 2023-11-01.

Conditions:
Hereditary cancer-predisposing syndrome. Also called: Hereditary Cancer Syndrome; Neoplastic Syndromes, Hereditary; Hereditary neoplastic syndrome; Tumor predisposition. Identifiers: Orphanet 140162, MedGen C0027672, MeSH D009386, MONDO:0015356.
Fanconi anemia complementation group O. Also called: RAD51C-Related Fanconi Anemia. Identifiers: Orphanet 84, MedGen C3150653, MONDO:0013248, OMIM 613390.

Submissions (3):

Labcorp Genetics (formerly Invitae), Labcorp
Classification: Likely benign for Fanconi anemia complementation group O. Last evaluated: 2023-11-01. Review status: criteria provided, single submitter. Criteria: Invitae Variant Classification Sherloc (09022015). Collection method: clinical testing. Allele origin: germline.

Ambry Genetics
Classification: Likely benign for Hereditary cancer-predisposing syndrome. Last evaluated: 2019-09-08. Review status: criteria provided, single submitter. Criteria: Ambry Variant Classification Scheme 2023. Collection method: clinical testing. Allele origin: germline.

Leiden Open Variation Database
Classification: Likely benign. Last evaluated: 2014-11-02. Review status: no assertion criteria provided. Collection method: curation. Allele origin: germline. Affected: yes. Not counted in ClinVar's aggregate classification.
Comment: Curator: Arleen D. Auerbach. Submitter to LOVD: Christine Rappaport.

NM_058216.3(RAD51C):c.237T>G (p.Ser79=)

Gene: RAD51C (RAD51 paralog C; plus strand). Cytogenetic location: 17q22.
Variant type: single nucleotide variant.
Coding change: c.237T>G on transcript NM_058216.3 (MANE Select); coding-DNA position 237, T replaced by G.
Protein change: p.Ser79=; no amino-acid change (serine 79 retained).
Molecular consequence: synonymous variant. On other transcripts: non-coding transcript variant (2).
Genome position (GRCh38, 1-based): chr17:58,695,022, T>G. VCF-style: chr17-58695022-T-G. GRCh37 (hg19) VCF-style: chr17-56772383-T-G.
Other names: c.237T>G, p.Ser79= (NM_002876.4).
Identifiers: ClinVar variation 821173 (VCV000821173.8), dbSNP rs1555593575, ClinGen allele CA501074600.
Genomic context (GRCh38, chr17:58,695,022, plus strand): 5'-AACTCTGCAAATTATCAGAAGAGAATGTCTCACAAATAAACCAAGATATGCTGGTACATC[T>G]GAGTCACACAAGAAGTGTACAGCACTGGAACTTCTTGAGCAGGAGCATACCCAGGGCTTC-3'
Protein context (NP_478123.1, residues 69-89): LTNKPRYAGT[Ser79=]ESHKKCTALE